The following is an entry in ClinVar:

ClinVar aggregate classification (germline): Benign/Likely benign. Review status: criteria provided, multiple submitters, no conflicts (2 of 4 stars). 4 submissions from 4 submitters: Benign (1); Likely benign (3). Last evaluated 2026-09-01.

Allele frequency attached by ClinVar (database versions not stated): 1000 Genomes Project 0.00040; 1000 Genomes Project 30x 0.00062; TOPMed 0.00181; gnomAD 0.00230 and 0.00235; ESP Exome Variant Server 0.00231; gnomAD exomes 0.00275 and 0.00314; ExAC 0.00364.
gnomAD v4.1: 4,877 of 1,613,770 alleles (0.3%); highest among the groups gnomAD compares: Non-Finnish European, 0.37%; 17 homozygotes.

Submissions (4):

CeGaT Center for Human Genetics Tuebingen
Classification: Likely benign. Last evaluated: 2026-09-01. Review status: criteria provided, single submitter. Criteria: CeGaT Center For Human Genetics Tuebingen Variant Classification Criteria Version 2. Collection method: clinical testing. Allele origin: germline. Affected: yes. Observed: 8 variant alleles.
Comment: WDR11: BP4, BP7, BS2

Labcorp Genetics (formerly Invitae), Labcorp
Classification: Benign. Last evaluated: 2025-06-02. Review status: criteria provided, single submitter. Criteria: Invitae Variant Classification Sherloc (09022015). Collection method: clinical testing. Allele origin: germline.

Genetic Services Laboratory, University of Chicago
Classification: Likely benign. Last evaluated: 2016-05-12. Review status: criteria provided, single submitter. Criteria: ACMG Guidelines, 2015. Collection method: clinical testing. Allele origin: germline. Affected: no.

Breakthrough Genomics
Classification: Likely benign. Review status: criteria provided, single submitter. Criteria: ACMG Guidelines, 2015. Collection method: not provided. Allele origin: germline. Inheritance: Autosomal dominant inheritance. Affected: yes.

NM_018117.12(WDR11):c.1425G>A (p.Pro475=)

Gene: WDR11 (WD repeat domain 11; plus strand). Cytogenetic location: 10q26.12.
Variant type: single nucleotide variant.
Coding change: c.1425G>A on transcript NM_018117.12 (MANE Select); coding-DNA position 1425, G replaced by A.
Protein change: p.Pro475=; no amino-acid change (proline 475 retained).
Molecular consequence: synonymous variant.
Genome position (GRCh38, 1-based): chr10:120,871,300, G>A. VCF-style: chr10-120871300-G-A. GRCh37 (hg19) VCF-style: chr10-122630812-G-A.
Identifiers: ClinVar variation 437271 (VCV000437271.25), dbSNP rs117848117, ClinGen allele CA5719714.
Genomic context (GRCh38, chr10:120,871,300, plus strand): 5'-GCTGACGGGACTGCTTTCAGGACTGCCCGCACCACAGTTTGCTATTCGTATGTGTCCACC[G>A]TTGACCACAAAAAACATCAAGATGTATCAGCCACTGCTGGCTGTTGGTGAGTATTTGACC-3'
Protein context (NP_060587.8, residues 465-485): APQFAIRMCP[Pro475=]LTTKNIKMYQ